The following is an entry in ClinVar:

ClinVar aggregate classification (germline): Likely pathogenic (0 of 4 stars; one submission).

Conditions:
VPS13A-related neurodegenerative disease. Also called: LEVINE-CRITCHLEY SYNDROME; Choreoacanthocytosis; Chorea-acanthocytosis; VPS13A Disease; ACANTHOCYTOSIS WITH NEUROLOGIC DISORDER; Choreaacanthocytosis. Identifiers: Orphanet 2388, MedGen C0393576, MONDO:0008695, OMIM 200150.

Submission:

Solve-RD Consortium
Classification: Likely pathogenic for VPS13A-related neurodegenerative disease. Last evaluated: 2022-06-01. Review status: no assertion criteria provided. Collection method: provider interpretation. Allele origin: inherited. Affected: yes.
Comment: Variant confirmed as disease-causing by referring clinical team

Variant identified during reanalysis of unsolved cases by the Solve-RD project. The Solve-RD project has received funding from the European Union’s Horizon 2020 research and innovation programme under grant agreement No 779257.

Literature cited by the submitters: PubMed 39825153.

NM_033305.3(VPS13A):c.8041A>T (p.Lys2681Ter)

Gene: VPS13A (vacuolar protein sorting 13 homolog A; plus strand). Cytogenetic location: 9q21.2.
Variant type: single nucleotide variant.
Coding change: c.8041A>T on transcript NM_033305.3 (MANE Select); coding-DNA position 8041, A replaced by T.
Protein change: p.Lys2681Ter; replaces lysine 2681 with a stop codon.
Molecular consequence: nonsense.
Genome position (GRCh38, 1-based): chr9:77,359,338, A>T. VCF-style: chr9-77359338-A-T. GRCh37 (hg19) VCF-style: chr9-79974254-A-T.
Other names: c.7924A>T, p.Lys2642Ter (NM_001018037.2); c.8041A>T, p.Lys2681Ter (NM_001018038.3, NM_015186.4); short protein forms K2642*, K2681*.
Identifiers: ClinVar variation 3256776 (VCV003256776.1).
Genomic context (GRCh38, chr9:77,359,338, plus strand): 5'-TGCCTAGCTTTTGCTTAAAGCATCATGGGAGTAATTATATTTATAACCTTTACAGCACCA[A>T]AGCCCTTTACAGATGTCAGTATTGTCATGAGATCTGCAGGACATTCCCAGATATCACGTA-3'